The following is an entry in ClinVar:

NM_000719.7(CACNA1C):c.2506C>T (p.Pro836Ser)

Gene: CACNA1C (calcium voltage-gated channel subunit alpha1 C; plus strand). Cytogenetic location: 12p13.33.
Variant type: single nucleotide variant.
Coding change: c.2506C>T on transcript NM_000719.7 (MANE Select); coding-DNA position 2506, C replaced by T.
Protein change: p.Pro836Ser; replaces proline 836 with serine.
Molecular consequence: missense variant.
Genome position (GRCh38, 1-based): chr12:2,585,880, C>T. VCF-style: chr12-2585880-C-T. GRCh37 (hg19) VCF-style: chr12-2695046-C-T.
Other names: c.2506C>T, p.Pro836Ser (NM_001129827.2, NM_001129829.2, NM_001129830.3 and 18 more transcripts); c.2497C>T, p.Pro833Ser (NM_001129844.2); short protein forms P836S, P833S.
Identifiers: ClinVar variation 1386646 (VCV001386646.9), dbSNP rs1042919299, ClinGen allele CA231588559.

ClinVar aggregate classification (germline): Uncertain significance. Review status: criteria provided, multiple submitters, no conflicts (2 of 4 stars). 3 submissions from 3 submitters: Uncertain significance (3). Last evaluated 2026-04-02.

Conditions:
Cardiovascular phenotype. Identifiers: MedGen CN230736.
Long QT syndrome (LQTS). Identifiers: MedGen C0023976, MeSH D008133, MONDO:0002442. Disease mechanism: loss of function. Inheritance: Various modes of inheritance.

Allele frequency attached by ClinVar (database versions not stated): gnomAD exomes below 0.00001; gnomAD 0.00001.
gnomAD v4.1: 8 of 1,605,578 alleles (0.0005%); highest among the groups gnomAD compares: African/African-American, 0.0013%; no homozygotes.

Submissions (3):

GeneDx
Classification: Uncertain significance. Last evaluated: 2026-04-02. Review status: criteria provided, single submitter. Criteria: GeneDx Variant Classification Process June 2021. Collection method: clinical testing. Allele origin: germline.
Comment: Not observed at significant frequency in large population cohorts (gnomAD); In silico analysis supports that this missense variant has a deleterious effect on protein structure/function; Has not been previously published as pathogenic or benign to our knowledge

Labcorp Genetics (formerly Invitae), Labcorp
Classification: Uncertain significance for Long QT syndrome. Last evaluated: 2025-08-25. Review status: criteria provided, single submitter. Criteria: Invitae Variant Classification Sherloc (09022015). Collection method: clinical testing. Allele origin: germline.
Comment: This sequence change replaces proline, which is neutral and non-polar, with serine, which is neutral and polar, at codon 836 of the CACNA1C protein (p.Pro836Ser). The frequency data for this variant in the population databases is considered unreliable, as metrics indicate poor data quality at this position in the gnomAD database. This variant has not been reported in the literature in individuals affected with CACNA1C-related conditions. ClinVar contains an entry for this variant (Variation ID: 1386646). Invitae Evidence Modeling of protein sequence and biophysical properties (such as structural, functional, and spatial information, amino acid conservation, physicochemical variation, residue mobility, and thermodynamic stability) indicates that this missense variant is not expected to disrupt CACNA1C protein function with a negative predictive value of 95%. In summary, the available evidence is currently insufficient to determine the role of this variant in disease. Therefore, it has been classified as a Variant of Uncertain Significance.

Ambry Genetics
Classification: Uncertain significance for Cardiovascular phenotype. Last evaluated: 2019-06-18. Review status: criteria provided, single submitter. Criteria: Ambry Variant Classification Scheme 2023. Collection method: clinical testing. Allele origin: germline.
Comment: The p.P836S variant (also known as c.2506C>T), located in coding exon 18 of the CACNA1C gene, results from a C to T substitution at nucleotide position 2506. The proline at codon 836 is replaced by serine, an amino acid with similar properties. This amino acid position is not well conserved in available vertebrate species, and serine is the reference amino acid in other vertebrate species. In addition, this alteration is predicted to be tolerated by in silico analysis. Since supporting evidence is limited at this time, the clinical significance of this alteration remains unclear.